The following is an entry in ClinVar:

NM_002692.4(POLE2):c.1079G>A (p.Arg360His)

Gene: POLE2 (DNA polymerase epsilon 2, accessory subunit; minus strand). Cytogenetic location: 14q21.3.
Variant type: single nucleotide variant.
Coding change: c.1079G>A on transcript NM_002692.4 (MANE Select); coding-DNA position 1079, G replaced by A.
Protein change: p.Arg360His; replaces arginine 360 with histidine.
Molecular consequence: missense variant.
Genome position (GRCh38, 1-based): chr14:49,654,209, C>T on the plus strand (G>A on the coding strand, the complement: POLE2 is on the minus strand). VCF-style: chr14-49654209-C-T. GRCh37 (hg19) VCF-style: chr14-50120927-C-T.
Other names: c.1001G>A, p.Arg334His (NM_001197330.2); c.1079G>A, p.Arg360His (NM_001197331.3); c.1076G>A, p.Arg359His (NM_001348384.2); c.848G>A, p.Arg283His (NM_001348385.2); short protein forms R283H, R360H, R334H, R359H.
Identifiers: ClinVar variation 3018620 (VCV003018620.3), dbSNP rs374223196, ClinGen allele CA7173380.

ClinVar aggregate classification (germline): Uncertain significance (1 of 4 stars; one submission).

Allele frequency attached by ClinVar (database versions not stated): TOPMed 0.00013; gnomAD exomes 0.00002; ExAC 0.00003; gnomAD 0.00007; ESP Exome Variant Server 0.00023.
gnomAD v4.1: 35 of 1,605,572 alleles (0.0022%); highest among the groups gnomAD compares: African/African-American, 0.029%; 1 homozygote.

Submission:

Labcorp Genetics (formerly Invitae), Labcorp
Classification: Uncertain significance. Last evaluated: 2026-01-19. Review status: criteria provided, single submitter. Criteria: Invitae Variant Classification Sherloc (09022015). Collection method: clinical testing. Allele origin: germline.
Comment: This sequence change replaces arginine, which is basic and polar, with histidine, which is basic and polar, at codon 360 of the POLE2 protein (p.Arg360His). This variant is present in population databases (rs374223196, gnomAD 0.02%). This variant has not been reported in the literature in individuals affected with POLE2-related conditions. ClinVar contains an entry for this variant (Variation ID: 3018620). An algorithm developed to predict the effect of missense changes on protein structure and function (PolyPhen-2) suggests that this variant is likely to be tolerated. Algorithms developed to predict the effect of sequence changes on RNA splicing suggest that this variant may disrupt the consensus splice site. In summary, the available evidence is currently insufficient to determine the role of this variant in disease. Therefore, it has been classified as a Variant of Uncertain Significance.